The following is an entry in ClinVar:

NM_001458.5(FLNC):c.227T>G (p.Val76Gly)

Gene: FLNC (filamin C; plus strand). Cytogenetic location: 7q32.1.
Variant type: single nucleotide variant.
Coding change: c.227T>G on transcript NM_001458.5 (MANE Select); coding-DNA position 227, T replaced by G.
Protein change: p.Val76Gly; replaces valine 76 with glycine.
Molecular consequence: missense variant.
Genome position (GRCh38, 1-based): chr7:128,830,864, T>G. VCF-style: chr7-128830864-T-G. GRCh37 (hg19) VCF-style: chr7-128470918-T-G.
Other names: c.227T>G, p.Val76Gly (NM_001127487.2); short protein forms V76G.
Identifiers: ClinVar variation 1201769 (VCV001201769.10), dbSNP rs1011301530, ClinGen allele CA166207206.
Genomic context (GRCh38, chr7:128,830,864, plus strand): 5'-GCCTGACCGACCTGCAGCGCGACCTCAGCGACGGGCTCCGGCTCATCGCGCTGCTCGAGG[T>G]GCTCAGCCAGAAGCGCATGTACCGCAAGTTCCATCCGCGCCCCAACTTCCGCCAAATGAA-3'
Protein context (NP_001449.3, residues 66-86): DGLRLIALLE[Val76Gly]LSQKRMYRKF

ClinVar aggregate classification (germline): Uncertain significance. Review status: criteria provided, multiple submitters, no conflicts (2 of 4 stars). 3 submissions from 3 submitters: Uncertain significance (3). Last evaluated 2026-06-12.

Conditions:
Cardiovascular phenotype. Identifiers: MedGen CN230736.
Myofibrillar myopathy 5. Also called: Filaminopathy (type); FILAMINOPATHY, AUTOSOMAL DOMINANT. Identifiers: Orphanet 171445, MedGen C1836050, MONDO:0012289, OMIM 609524.
Hypertrophic cardiomyopathy 26. Also called: Cardiomyopathy, familial hypertrophic, 26. Identifiers: Orphanet 75249, MedGen C4310749, MONDO:0014883, OMIM 617047.
Distal myopathy with posterior leg and anterior hand involvement. Also called: WILLIAMS DISTAL MYOPATHY. Identifiers: Orphanet 63273, MedGen C3279722, MONDO:0013550, OMIM 614065.

Allele frequency attached by ClinVar (database versions not stated): gnomAD exomes below 0.00001; TOPMed below 0.00001; gnomAD 0.00001.
gnomAD v4.1: 2 of 1,612,870 alleles (0.00012%); highest among the groups gnomAD compares: Non-Finnish European, 0.00017%; no homozygotes.

Submissions (3):

Ambry Genetics
Classification: Uncertain significance for Cardiovascular phenotype. Last evaluated: 2026-06-12. Review status: criteria provided, single submitter. Criteria: Ambry Variant Classification Scheme 2023. Collection method: clinical testing. Allele origin: germline.
Comment: The p.V76G variant (also known as c.227T>G), located in coding exon 1 of the FLNC gene, results from a T to G substitution at nucleotide position 227. The valine at codon 76 is replaced by glycine, an amino acid with dissimilar properties. This amino acid position is conserved. In addition, this alteration is predicted to be deleterious by in silico analysis. Based on the available evidence, the clinical significance of this variant remains unclear.

Labcorp Genetics (formerly Invitae), Labcorp
Classification: Uncertain significance for Distal myopathy with posterior leg and anterior hand involvement; Myofibrillar myopathy 5; Hypertrophic cardiomyopathy 26. Last evaluated: 2025-10-25. Review status: criteria provided, single submitter. Criteria: Invitae Variant Classification Sherloc (09022015). Collection method: clinical testing. Allele origin: germline.
Comment: This sequence change replaces valine, which is neutral and non-polar, with glycine, which is neutral and non-polar, at codon 76 of the FLNC protein (p.Val76Gly). This variant is not present in population databases (gnomAD no frequency). This variant has not been reported in the literature in individuals affected with FLNC-related conditions. ClinVar contains an entry for this variant (Variation ID: 1201769). Invitae Evidence Modeling of protein sequence and biophysical properties (such as structural, functional, and spatial information, amino acid conservation, physicochemical variation, residue mobility, and thermodynamic stability) has been performed for this missense variant. However, the output from this modeling did not meet the statistical confidence thresholds required to predict the impact of this variant on FLNC protein function. In summary, the available evidence is currently insufficient to determine the role of this variant in disease. Therefore, it has been classified as a Variant of Uncertain Significance.

GeneDx
Classification: Uncertain significance. Last evaluated: 2020-03-27. Review status: criteria provided, single submitter. Criteria: GeneDx Variant Classification Process June 2021. Collection method: clinical testing. Allele origin: germline. Affected: yes.
Comment: Not observed in large population cohorts (Lek et al., 2016); In silico analysis supports that this missense variant has a deleterious effect on protein structure/function; Has not been previously published as pathogenic or benign to our knowledge